The following is an entry in ClinVar:

NM_002691.4(POLD1):c.2528T>C (p.Leu843Pro)

Gene: POLD1 (DNA polymerase delta 1, catalytic subunit; plus strand). Cytogenetic location: 19q13.33.
Variant type: single nucleotide variant.
Coding change: c.2528T>C on transcript NM_002691.4 (MANE Select); coding-DNA position 2528, T replaced by C.
Protein change: p.Leu843Pro; replaces leucine 843 with proline.
Molecular consequence: missense variant. On other transcripts: non-coding transcript variant (1).
Genome position (GRCh38, 1-based): chr19:50,414,954, T>C. VCF-style: chr19-50414954-T-C. GRCh37 (hg19) VCF-style: chr19-50918211-T-C.
Other names: c.2528T>C, p.Leu843Pro (NM_001256849.1); c.2606T>C, p.Leu869Pro (NM_001308632.1); short protein forms L843P, L869P.
Identifiers: ClinVar variation 1353018 (VCV001353018.6), dbSNP rs2122467268, ClinGen allele CA406985189.
Genomic context (GRCh38, chr19:50,414,954, plus strand): 5'-GCATGGACTGCAAGGGCCTGGAGGCCGTGCGCAGGGACAACTGCCCCCTCGTGGCCAACC[T>C]GGTCACTGCCTCACTGCGCCGCCTGCTCATCGACCGGTGTGTGGGGCCTCCTCCCTCAGA-3'
Protein context (NP_002682.2, residues 833-853): RRDNCPLVAN[Leu843Pro]VTASLRRLLI

ClinVar aggregate classification (germline): Uncertain significance (1 of 4 stars; one submission).

Conditions:
POLD1-related polyposis and colorectal cancer syndrome (CRCS10). Also called: Colorectal cancer, susceptibility to, 10; Colorectal cancer 10; COLORECTAL CANCER, SUSCEPTIBILITY TO, ON CHROMOSOME 19q. Identifiers: Orphanet 220460, MedGen C2675481, MONDO:0012953, OMIM 612591.

Submission:

Labcorp Genetics (formerly Invitae), Labcorp
Classification: Uncertain significance for POLD1-related polyposis and colorectal cancer syndrome. Last evaluated: 2021-11-22. Review status: criteria provided, single submitter. Criteria: Invitae Variant Classification Sherloc (09022015). Collection method: clinical testing. Allele origin: germline.
Comment: In summary, the available evidence is currently insufficient to determine the role of this variant in disease. Therefore, it has been classified as a Variant of Uncertain Significance. Algorithms developed to predict the effect of missense changes on protein structure and function are either unavailable or do not agree on the potential impact of this missense change (SIFT: "Deleterious"; PolyPhen-2: "Probably Damaging"; Align-GVGD: "Class C0"). This variant has not been reported in the literature in individuals affected with POLD1-related conditions. This variant is not present in population databases (gnomAD no frequency). This sequence change replaces leucine, which is neutral and non-polar, with proline, which is neutral and non-polar, at codon 843 of the POLD1 protein (p.Leu843Pro).